The following is an entry in ClinVar:

NM_130439.3(MXI1):c.448C>T (p.Leu150=)

Gene: MXI1 (MAX interactor 1, dimerization protein; plus strand). Cytogenetic location: 10q25.2.
Variant type: single nucleotide variant.
Coding change: c.448C>T on transcript NM_130439.3 (MANE Select); coding-DNA position 448, C replaced by T.
Protein change: p.Leu150=; no amino-acid change (leucine 150 retained).
Molecular consequence: synonymous variant.
Genome position (GRCh38, 1-based): chr10:110,279,190, C>T. VCF-style: chr10-110279190-C-T. GRCh37 (hg19) VCF-style: chr10-112038948-C-T.
Other names: c.109C>T, p.Leu37= (NM_001008541.1); c.247C>T, p.Leu83= (NM_005962.5).
Identifiers: ClinVar variation 3037977 (VCV003037977.2), dbSNP rs61753063, ClinGen allele CA5686984.

ClinVar aggregate classification (germline): Benign (0 of 4 stars; one submission).

Conditions:
MXI1-related disorder. Also called: MXI1-related condition.

Allele frequency attached by ClinVar (database versions not stated): gnomAD exomes 0.00270; ExAC 0.00952; gnomAD 0.02841; TOPMed 0.03246; ESP Exome Variant Server 0.03491; 1000 Genomes Project 0.03734; 1000 Genomes Project 30x 0.03826.

Submission:

PreventionGenetics, part of Exact Sciences
Classification: Benign for MXI1-related condition. Last evaluated: 2020-01-21. Review status: no assertion criteria provided. Collection method: clinical testing. Allele origin: germline.
Comment: This variant is classified as benign based on ACMG/AMP sequence variant interpretation guidelines (Richards et al. 2015 PMID: 25741868, with internal and published modifications).